The following is an entry in ClinVar:

NM_000500.9(CYP21A2):c.923_924dup (p.Leu309fs)

Genes: CYP21A2 (cytochrome P450 family 21 subfamily A member 2; plus strand), LOC106780800 (CYP21A2 recombination region; plus strand). Cytogenetic location: 6p21.33.
Variant type: Duplication.
Coding change: c.923_924dup on transcript NM_000500.9 (MANE Select); coding-DNA positions 923 to 924, 2 bases duplicated (TG; older notation c.923_924dupTG).
Protein change: p.Leu309fs; shifts the reading frame from leucine 309.
Molecular consequence: frameshift variant.
Genome position (GRCh38, 1-based): chr6:32,040,189-32,040,190, TG duplicated. VCF-style (leftmost placement, unchanged base first): chr6-32040188-T-TTG. GRCh37 (hg19) VCF-style: chr6-32007965-T-TTG.
Other names: c.833_834dup, p.Leu279fs (NM_001128590.4); c.518_519dup, p.Leu174fs (NM_001368143.2, NM_001368144.2); short protein forms L174fs, L279fs, L309fs.
Identifiers: ClinVar variation 988572 (VCV000988572.2), dbSNP rs1776193326, ClinGen allele CA1139659473.

ClinVar aggregate classification (germline): Pathogenic. Review status: criteria provided, multiple submitters, no conflicts (2 of 4 stars). 2 submissions from 2 submitters: Pathogenic (2). Last evaluated 2024-12-10.

Conditions:
21-Hydroxylase-Deficient Congenital Adrenal Hyperplasia. Also called: ADRENAL HYPERPLASIA, CONGENITAL, DUE TO 21-HYDROXYLASE DEFICIENCY; ADRENAL HYPERPLASIA III. Identifiers: MedGen C2936858, OMIM 201910.

Submissions (2):

Genomic Medicine Center of Excellence, King Faisal Specialist Hospital and Research Centre
Classification: Pathogenic for 21-Hydroxylase-Deficient Congenital Adrenal Hyperplasia. Last evaluated: 2024-12-10. Review status: criteria provided, single submitter. Criteria: ACMG Guidelines, 2015. Collection method: clinical testing. Allele origin: germline.
Comment: PVS1, PM2, PP5

Clinical Genetics and Genomics, Karolinska University Hospital
Classification: Pathogenic. Last evaluated: 2019-05-09. Review status: criteria provided, single submitter. Criteria: ACMG Guidelines, 2015. Collection method: clinical testing. Allele origin: germline. Affected: yes. Observed: 1 variant allele.